The following is an entry in ClinVar:

NM_001036.6(RYR3):c.12889G>C (p.Glu4297Gln)

Gene: RYR3 (ryanodine receptor 3; plus strand). Cytogenetic location: 15q14.
Variant type: single nucleotide variant.
Coding change: c.12889G>C on transcript NM_001036.6 (MANE Select); coding-DNA position 12889, G replaced by C.
Protein change: p.Glu4297Gln; replaces glutamic acid 4297 with glutamine.
Molecular consequence: missense variant.
Genome position (GRCh38, 1-based): chr15:33,838,869, G>C. VCF-style: chr15-33838869-G-C. GRCh37 (hg19) VCF-style: chr15-34131070-G-C.
Other names: c.12874G>C, p.Glu4292Gln (NM_001243996.4); short protein forms E4297Q, E4292Q.
Identifiers: ClinVar variation 958882 (VCV000958882.9), dbSNP rs752948099, ClinGen allele CA7461489.
Genomic context (GRCh38, chr15:33,838,869, plus strand): 5'-ATCATGTCAGACCTCTTTGGACTCCACCCAAAGAAAGAGGGCAGCTTAAAGCATGGGCCT[G>C]AAGTGGGTTTGGGTGACCTCTCAGAAATTATTGGCAAGGATGAACCCCCTACATTAGAGA-3'
Protein context (NP_001027.3, residues 4287-4307): KKEGSLKHGP[Glu4297Gln]VGLGDLSEII

ClinVar aggregate classification (germline): Uncertain significance (1 of 4 stars; one submission).

Conditions:
Epileptic encephalopathy. Identifiers: MedGen C0543888, HP:0200134.

Allele frequency attached by ClinVar (database versions not stated): gnomAD exomes 0.00001 and 0.00003; ExAC 0.00002; gnomAD 0.00002 and 0.00003; TOPMed 0.00002.
gnomAD v4.1: 21 of 1,613,876 alleles (0.0013%); highest among the groups gnomAD compares: Admixed American, 0.0083%; no homozygotes.

Submission:

Labcorp Genetics (formerly Invitae), Labcorp
Classification: Uncertain significance for Epileptic encephalopathy. Last evaluated: 2019-07-31. Review status: criteria provided, single submitter. Criteria: Invitae Variant Classification Sherloc (09022015). Collection method: clinical testing. Allele origin: germline.
Comment: This sequence change replaces glutamic acid with glutamine at codon 4297 of the RYR3 protein (p.Glu4297Gln). The glutamic acid residue is moderately conserved and there is a small physicochemical difference between glutamic acid and glutamine. This variant is present in population databases (rs752948099, ExAC 0.009%). This variant has not been reported in the literature in individuals with RYR3-related conditions. Algorithms developed to predict the effect of missense changes on protein structure and function are either unavailable or do not agree on the potential impact of this missense change (SIFT: "Deleterious"; PolyPhen-2: "Benign"; Align-GVGD: "Class C0"). In summary, the available evidence is currently insufficient to determine the role of this variant in disease. Therefore, it has been classified as a Variant of Uncertain Significance.